The following is an entry in ClinVar:

ClinVar aggregate classification (germline): Uncertain significance (1 of 4 stars; one submission).

Allele frequency attached by ClinVar (database versions not stated): gnomAD 0.00001; TOPMed 0.00001; ExAC 0.00002; gnomAD exomes 0.00004.
gnomAD v4.1: 14 of 1,613,808 alleles (0.00087%); highest among the groups gnomAD compares: East Asian, 0.013%; no homozygotes.

Submission:

Labcorp Genetics (formerly Invitae), Labcorp
Classification: Uncertain significance. Last evaluated: 2026-01-12. Review status: criteria provided, single submitter. Criteria: Invitae Variant Classification Sherloc (09022015). Collection method: clinical testing. Allele origin: germline.
Comment: This sequence change replaces valine, which is neutral and non-polar, with methionine, which is neutral and non-polar, at codon 120 of the FUK protein (p.Val120Met). This variant is present in population databases (rs758111686, gnomAD 0.04%). This variant has not been reported in the literature in individuals affected with FUK-related conditions. ClinVar contains an entry for this variant (Variation ID: 1682348). An algorithm developed to predict the effect of missense changes on protein structure and function (PolyPhen-2) suggests that this variant is likely to be disruptive. In summary, the available evidence is currently insufficient to determine the role of this variant in disease. Therefore, it has been classified as a Variant of Uncertain Significance.

NM_145059.3(FCSK):c.358G>A (p.Val120Met)

Gene: FCSK (fucose kinase; plus strand). Cytogenetic location: 16q22.1.
Variant type: single nucleotide variant.
Coding change: c.358G>A on transcript NM_145059.3 (MANE Select); coding-DNA position 358, G replaced by A.
Protein change: p.Val120Met; replaces valine 120 with methionine.
Molecular consequence: missense variant.
Genome position (GRCh38, 1-based): chr16:70,466,204, G>A. VCF-style: chr16-70466204-G-A. GRCh37 (hg19) VCF-style: chr16-70500107-G-A.
Other names: short protein forms V120M.
Identifiers: ClinVar variation 1682348 (VCV001682348.6), dbSNP rs758111686, ClinGen allele CA8142860.
Genomic context (GRCh38, chr16:70,466,204, plus strand): 5'-CCCTTTGATGACTGTGGCAGGGCTTTCACCTGCCTCCCCGTGGAGAACCCCGAGGCCCCC[G>A]TGGAAGCCTTGGTCTGCAACCTGGACTGCCTGCTGGACATCATGACCTATCGGGTGAGGC-3'
Protein context (NP_659496.2, residues 110-130): CLPVENPEAP[Val120Met]EALVCNLDCL